The following is an entry in ClinVar:

NM_016343.4(CENPF):c.1447-1G>T

Gene: CENPF (centromere protein F; plus strand). Cytogenetic location: 1q41.
Variant type: single nucleotide variant.
Coding change: c.1447-1G>T on transcript NM_016343.4 (MANE Select); the canonical splice acceptor site of the intron before coding-DNA position 1447, G replaced by T.
Molecular consequence: splice acceptor variant.
Genome position (GRCh38, 1-based): chr1:214,637,865, G>T. VCF-style: chr1-214637865-G-T. GRCh37 (hg19) VCF-style: chr1-214811208-G-T.
Identifiers: ClinVar variation 3256947 (VCV003256947.1).

ClinVar aggregate classification (germline): Likely pathogenic (1 of 4 stars; one submission).

Conditions:
Susceptibility to severe COVID-19.

Submission:

Molecular Medicine Center, Medical University of Sofia
Classification: Likely pathogenic for Susceptibility to severe COVID-19. Last evaluated: 2024-07-22. Review status: criteria provided, single submitter. Criteria: ACMG Guidelines, 2015. Collection method: research. Allele origin: germline. Affected: yes.
Comment: Novel (unreported in gnomAD or dbSNP until April 2024) variant found in severely infected COVID-19 Bulgarian patients in a research study. Variant is classified as likely pathogenic according to the ACMG criteria: PM2,PVS1.